The following is an entry in ClinVar:

NM_015141.4(GPD1L):c.841A>G (p.Arg281Gly)

Gene: GPD1L (glycerol-3-phosphate dehydrogenase 1 like; plus strand). Cytogenetic location: 3p22.3.
Variant type: single nucleotide variant.
Coding change: c.841A>G on transcript NM_015141.4 (MANE Select); coding-DNA position 841, A replaced by G.
Protein change: p.Arg281Gly; replaces arginine 281 with glycine.
Molecular consequence: missense variant.
Genome position (GRCh38, 1-based): chr3:32,159,098, A>G. VCF-style: chr3-32159098-A-G. GRCh37 (hg19) VCF-style: chr3-32200590-A-G.
Other names: short protein forms R281G.
Identifiers: ClinVar variation 4529656 (VCV004529656.1).

ClinVar aggregate classification (germline): Uncertain significance (1 of 4 stars; one submission).

gnomAD v4.1: 4 of 1,613,012 alleles (0.00025%); highest among the groups gnomAD compares: Non-Finnish European, 0.00034%; no homozygotes.

Submission:

GeneDx
Classification: Uncertain significance. Last evaluated: 2025-05-13. Review status: criteria provided, single submitter. Criteria: GeneDx Variant Classification Process June 2021. Collection method: clinical testing. Allele origin: germline. Affected: yes.
Comment: Not observed at significant frequency in large population cohorts (gnomAD); In silico analysis supports that this missense variant has a deleterious effect on protein structure/function; Has not been previously published as pathogenic or benign to our knowledge